The following is an entry in ClinVar:

NM_020461.4(TUBGCP6):c.3150G>C (p.Trp1050Cys)

Gene: TUBGCP6 (tubulin gamma complex component 6; minus strand). Cytogenetic location: 22q13.33.
Variant type: single nucleotide variant.
Coding change: c.3150G>C on transcript NM_020461.4 (MANE Select); coding-DNA position 3150, G replaced by C.
Protein change: p.Trp1050Cys; replaces tryptophan 1050 with cysteine.
Molecular consequence: missense variant.
Genome position (GRCh38, 1-based): chr22:50,221,209, C>G on the plus strand (G>C on the coding strand, the complement: TUBGCP6 is on the minus strand). VCF-style: chr22-50221209-C-G. GRCh37 (hg19) VCF-style: chr22-50659638-C-G.
Other names: short protein forms W1050C.
Identifiers: ClinVar variation 1385549 (VCV001385549.5), dbSNP rs556431806, ClinGen allele CA10308040.

ClinVar aggregate classification (germline): Uncertain significance (1 of 4 stars; one submission).

Allele frequency attached by ClinVar (database versions not stated): TOPMed 0.00001; gnomAD 0.00004; gnomAD exomes 0.00010 and 0.00019; 1000 Genomes Project 30x 0.00016; 1000 Genomes Project 0.00020; ExAC 0.00026.
gnomAD v4.1: 152 of 1,614,170 alleles (0.0094%); highest among the groups gnomAD compares: South Asian, 0.15%; 1 homozygote.

Submission:

Labcorp Genetics (formerly Invitae), Labcorp
Classification: Uncertain significance. Last evaluated: 2022-07-29. Review status: criteria provided, single submitter. Criteria: Invitae Variant Classification Sherloc (09022015). Collection method: clinical testing. Allele origin: germline.
Comment: This sequence change replaces tryptophan, which is neutral and slightly polar, with cysteine, which is neutral and slightly polar, at codon 1050 of the TUBGCP6 protein (p.Trp1050Cys). This variant is present in population databases (rs556431806, gnomAD 0.2%). This variant has not been reported in the literature in individuals affected with TUBGCP6-related conditions. ClinVar contains an entry for this variant (Variation ID: 1385549). Algorithms developed to predict the effect of missense changes on protein structure and function are either unavailable or do not agree on the potential impact of this missense change (SIFT: "Deleterious"; PolyPhen-2: "Probably Damaging"; Align-GVGD: "Class C0"). In summary, the available evidence is currently insufficient to determine the role of this variant in disease. Therefore, it has been classified as a Variant of Uncertain Significance.